The following is an entry in ClinVar:

ClinVar aggregate classification (germline): Uncertain significance. Review status: criteria provided, multiple submitters, no conflicts (2 of 4 stars). 8 submissions from 4 submitters: Uncertain significance (8). Last evaluated 2018-01-13.

Conditions:
Autosomal recessive limb-girdle muscular dystrophy type 2J (LGMDR10). Also called: MUSCULAR DYSTROPHY, LIMB-GIRDLE, AUTOSOMAL RECESSIVE 10; Limb-girdle muscular dystrophy, type 2J. Identifiers: Orphanet 140922, MedGen C1837342, MONDO:0012127, OMIM 608807.
Dilated cardiomyopathy 1G (CMD1G). Identifiers: Orphanet 154, MedGen C1858763, MONDO:0011400, OMIM 604145.
Myopathy, myofibrillar, 9, with early respiratory failure (MFM9). Also called: EDSTROM MYOPATHY; MYOPATHY, PROXIMAL, WITH EARLY RESPIRATORY MUSCLE INVOLVEMENT; Hereditary myopathy with early respiratory failure; Myopathy, distal, with early respiratory failure, autosomal dominant. Identifiers: Orphanet 178464, Orphanet 34521, MedGen C1863599, MONDO:0011362, OMIM 603689.
Early-onset myopathy with fatal cardiomyopathy (CMYO5). Also called: CONGENITAL MYOPATHY 5 WITH CARDIOMYOPATHY; Salih Myopathy. Identifiers: Orphanet 289377, MedGen C2673677, MONDO:0012714, OMIM 611705. Disease mechanism: loss of function.
Tibial muscular dystrophy (TMD). Also called: Udd Distal Myopathy – Tibial Muscular Dystrophy; UDD MYOPATHY; Tibial muscular dystrophy, tardive. Identifiers: Orphanet 609, MedGen C1838244, MONDO:0010870, OMIM 600334.

Allele frequency attached by ClinVar (database versions not stated): gnomAD exomes 0.00001; TOPMed 0.00002; gnomAD 0.00003.
gnomAD v4.1: 15 of 1,611,446 alleles (0.00093%); highest among the groups gnomAD compares: Non-Finnish European, 0.0013%; no homozygotes.

Submissions (8):

Illumina Laboratory Services, Illumina
Classification: Uncertain significance for Tibial muscular dystrophy. Last evaluated: 2018-01-13. Review status: criteria provided, single submitter. Criteria: ICSL Variant Classification Criteria 13 December 2019. Collection method: clinical testing. Allele origin: germline.

Illumina Laboratory Services, Illumina
Classification: Uncertain significance for Dilated cardiomyopathy 1G. Last evaluated: 2018-01-13. Review status: criteria provided, single submitter. Criteria: ICSL Variant Classification Criteria 13 December 2019. Collection method: clinical testing. Allele origin: germline.

Illumina Laboratory Services, Illumina
Classification: Uncertain significance for Myopathy, myofibrillar, 9, with early respiratory failure. Last evaluated: 2018-01-13. Review status: criteria provided, single submitter. Criteria: ICSL Variant Classification Criteria 13 December 2019. Collection method: clinical testing. Allele origin: germline.

Illumina Laboratory Services, Illumina
Classification: Uncertain significance for Autosomal recessive limb-girdle muscular dystrophy type 2J. Last evaluated: 2018-01-13. Review status: criteria provided, single submitter. Criteria: ICSL Variant Classification Criteria 13 December 2019. Collection method: clinical testing. Allele origin: germline.

Illumina Laboratory Services, Illumina
Classification: Uncertain significance for Early-onset myopathy with fatal cardiomyopathy. Last evaluated: 2018-01-13. Review status: criteria provided, single submitter. Criteria: ICSL Variant Classification Criteria 13 December 2019. Collection method: clinical testing. Allele origin: germline.

Labcorp Genetics (formerly Invitae), Labcorp
Classification: Uncertain significance for Dilated cardiomyopathy 1G; Autosomal recessive limb-girdle muscular dystrophy type 2J. Last evaluated: 2017-12-28. Review status: criteria provided, single submitter. Criteria: Invitae Variant Classification Sherloc (09022015). Collection method: clinical testing. Allele origin: germline.
Comment: This sequence change replaces isoleucine with valine at codon 24078 of the TTN protein (p.Ile24078Val). The isoleucine residue is highly conserved and there is a small physicochemical difference between isoleucine and valine. This variant is not present in population databases (ExAC no frequency). This variant has not been reported in the literature in individuals with TTN-related disease. ClinVar contains an entry for this variant (Variation ID: 229505). This variant is located in the A band of the resulting TTN protein (PMID: 25589632). It is unclear how this variant impacts the function of this protein. Algorithms developed to predict the effect of missense changes on protein structure and function are unavailable for the TTN gene. Algorithms developed to predict the effect of sequence changes on RNA splicing suggest that this variant may create or strengthen a splice site, but this prediction has not been confirmed by published transcriptional studies. In summary, However, the available evidence is currently insufficient to determine the role of this variant in disease. Therefore, it has been classified as a Variant of Uncertain Significance.

Eurofins Ntd Llc (ga)
Classification: Uncertain significance. Last evaluated: 2017-02-03. Review status: criteria provided, single submitter. Criteria: EGL Classification Definitions 2015. Collection method: clinical testing. Allele origin: germline. Observed: 3 variant alleles, 3 heterozygotes.

Laboratory for Molecular Medicine, Mass General Brigham Personalized Medicine
Classification: Uncertain significance. Last evaluated: 2015-12-10. Review status: criteria provided, single submitter. Criteria: LMM Criteria. Collection method: clinical testing. Allele origin: germline. Observed: 1 variant allele.
Comment: The p.Ile21510Val variant in TTN has not been previously reported in individuals with cardiomyopathy or in large population studies. Computational prediction to ols and conservation analysis do not provide strong evidence for or against an i mpact to the protein. In summary, the clinical significance of the p.Ile21510Val variant is uncertain.

Literature cited by the submitters: PubMed 25589632 (cited by Labcorp Genetics (formerly Invitae), Labcorp).

NM_001267550.2(TTN):c.72232A>G (p.Ile24078Val)

Genes: TTN-AS1 (TTN antisense RNA 1; plus strand), TTN (titin; minus strand). Cytogenetic location: 2q31.2.
Variant type: single nucleotide variant.
Coding change: c.72232A>G on transcript NM_001267550.2 (MANE Select); coding-DNA position 72232, A replaced by G.
Protein change: p.Ile24078Val; replaces isoleucine 24078 with valine.
Molecular consequence: missense variant.
Genome position (GRCh38, 1-based): chr2:178,573,900, T>C on the plus strand (A>G on the coding strand, the complement: TTN is on the minus strand). VCF-style: chr2-178573900-T-C. GRCh37 (hg19) VCF-style: chr2-179438627-T-C.
Other names: c.64528A>G, p.Ile21510Val (NM_133378.4); c.67309A>G, p.Ile22437Val (NM_001256850.1); c.45037A>G, p.Ile15013Val (NM_003319.4); c.45412A>G, p.Ile15138Val (NM_133432.3); c.45613A>G, p.Ile15205Val (NM_133437.4); short protein forms I21510V, I24078V, I15138V, I15013V, I15205V, I22437V.
Identifiers: ClinVar variation 229505 (VCV000229505.14), dbSNP rs876658080, ClinGen allele CA10576487.